The following is an entry in ClinVar:

ClinVar aggregate classification (germline): Conflicting classifications of pathogenicity. Review status: criteria provided, conflicting classifications (1 of 4 stars). 5 submissions from 5 submitters: Uncertain significance (1); Likely benign (4). Last evaluated 2026-05-13.

Conditions:
INF2-related disorder. Also called: INF2-related condition.
Charcot-Marie-Tooth disease dominant intermediate E. Also called: CHARCOT-MARIE-TOOTH NEUROPATHY WITH FOCAL SEGMENTAL GLOMERULONEPHRITIS. Identifiers: Orphanet 93114, MedGen C4302667, MONDO:0013758, OMIM 614455.
Focal segmental glomerulosclerosis 5 (FSGS5). Identifiers: Orphanet 656, MedGen C2750475, MONDO:0013191, OMIM 613237.

Allele frequency attached by ClinVar (database versions not stated): TOPMed 0.00006; gnomAD 0.00009.
gnomAD v4.1: 40 of 1,593,942 alleles (0.0025%); highest among the groups gnomAD compares: African/African-American, 0.03%; no homozygotes.

Submissions (5):

PreventionGenetics, part of Exact Sciences
Classification: Likely benign for INF2-related condition. Last evaluated: 2026-05-13. Review status: criteria provided, single submitter. Criteria: ACMG Guidelines, 2015. Collection method: clinical testing. Allele origin: germline.
Comment: This variant is classified as likely benign based on ACMG/AMP sequence variant interpretation guidelines (Richards et al. 2015 PMID: 25741868, with internal and published modifications).

CeGaT Center for Human Genetics Tuebingen
Classification: Likely benign. Last evaluated: 2025-03-01. Review status: criteria provided, single submitter. Criteria: CeGaT Center For Human Genetics Tuebingen Variant Classification Criteria Version 2. Collection method: clinical testing. Allele origin: germline. Affected: yes. Observed: 1 variant allele.
Comment: INF2: BP4, BP7

Labcorp Genetics (formerly Invitae), Labcorp
Classification: Likely benign for Charcot-Marie-Tooth disease dominant intermediate E; Focal segmental glomerulosclerosis 5. Last evaluated: 2024-09-01. Review status: criteria provided, single submitter. Criteria: Invitae Variant Classification Sherloc (09022015). Collection method: clinical testing. Allele origin: germline.

ARUP Laboratories, Molecular Genetics and Genomics, ARUP Laboratories
Classification: Likely benign. Last evaluated: 2020-04-27. Review status: criteria provided, single submitter. Criteria: ARUP Molecular Germline Variant Investigation Process. Collection method: clinical testing. Allele origin: germline.

Illumina Laboratory Services, Illumina
Classification: Uncertain significance for Focal segmental glomerulosclerosis 5. Last evaluated: 2018-01-13. Review status: criteria provided, single submitter. Criteria: ICSL Variant Classification Criteria 13 December 2019. Collection method: clinical testing. Allele origin: germline.

NM_022489.4(INF2):c.3654C>T (p.Thr1218=)

Gene: INF2 (inverted formin 2; plus strand). Cytogenetic location: 14q32.33.
Variant type: single nucleotide variant.
Coding change: c.3654C>T on transcript NM_022489.4 (MANE Select); coding-DNA position 3654, C replaced by T.
Protein change: p.Thr1218=; no amino-acid change (threonine 1218 retained).
Molecular consequence: synonymous variant.
Genome position (GRCh38, 1-based): chr14:104,714,816, C>T. VCF-style: chr14-104714816-C-T. GRCh37 (hg19) VCF-style: chr14-105181153-C-T.
Other names: c.3654C>T, p.Thr1218= (NM_001031714.4).
Identifiers: ClinVar variation 704240 (VCV000704240.30), dbSNP rs557462297, ClinGen allele CA7373336.